The following is an entry in ClinVar:

NM_002941.4(ROBO1):c.3949C>A (p.Pro1317Thr)

Gene: ROBO1 (roundabout guidance receptor 1; minus strand). Cytogenetic location: 3p12.3.
Variant type: single nucleotide variant.
Coding change: c.3949C>A on transcript NM_002941.4 (MANE Select); coding-DNA position 3949, C replaced by A.
Protein change: p.Pro1317Thr; replaces proline 1317 with threonine.
Molecular consequence: missense variant.
Genome position (GRCh38, 1-based): chr3:78,617,968, G>T on the plus strand (C>A on the coding strand, the complement: ROBO1 is on the minus strand). VCF-style: chr3-78617968-G-T. GRCh37 (hg19) VCF-style: chr3-78667118-G-T.
Other names: c.3814C>A, p.Pro1272Thr (NM_001145844.1, NM_133631.4); c.3649C>A, p.Pro1217Thr (NM_001145845.2); c.3949C>A (NM_002941.3); short protein forms P1272T, P1317T, P1217T.
Identifiers: ClinVar variation 1942968 (VCV001942968.6), dbSNP rs766398334, ClinGen allele CA2498219.

ClinVar aggregate classification (germline): Uncertain significance. Review status: criteria provided, multiple submitters, no conflicts (2 of 4 stars). 2 submissions from 2 submitters: Uncertain significance (2). Last evaluated 2024-12-11.

Conditions:
Inborn genetic diseases. Identifiers: MedGen C0950123, MeSH D030342.

Allele frequency attached by ClinVar (database versions not stated): TOPMed below 0.00001; ExAC 0.00001; gnomAD exomes 0.00001.
gnomAD v4.1: 13 of 1,613,966 alleles (0.00081%); highest among the groups gnomAD compares: Non-Finnish European, 0.001%; no homozygotes.

Submissions (2):

Ambry Genetics
Classification: Uncertain significance for Inborn genetic diseases. Last evaluated: 2024-12-11. Review status: criteria provided, single submitter. Criteria: Ambry Variant Classification Scheme 2023. Collection method: clinical testing. Allele origin: germline.

Labcorp Genetics (formerly Invitae), Labcorp
Classification: Uncertain significance. Last evaluated: 2024-08-28. Review status: criteria provided, single submitter. Criteria: Invitae Variant Classification Sherloc (09022015). Collection method: clinical testing. Allele origin: germline.
Comment: This sequence change replaces proline, which is neutral and non-polar, with threonine, which is neutral and polar, at codon 1317 of the ROBO1 protein (p.Pro1317Thr). This variant is present in population databases (rs766398334, gnomAD 0.003%). This variant has not been reported in the literature in individuals affected with ROBO1-related conditions. ClinVar contains an entry for this variant (Variation ID: 1942968). Invitae Evidence Modeling of protein sequence and biophysical properties (such as structural, functional, and spatial information, amino acid conservation, physicochemical variation, residue mobility, and thermodynamic stability) indicates that this missense variant is not expected to disrupt ROBO1 protein function with a negative predictive value of 95%. In summary, the available evidence is currently insufficient to determine the role of this variant in disease. Therefore, it has been classified as a Variant of Uncertain Significance.